The following is an entry in ClinVar:

ClinVar aggregate classification (germline): Uncertain significance. Review status: criteria provided, multiple submitters, no conflicts (2 of 4 stars). 2 submissions from 2 submitters: Uncertain significance (2). Last evaluated 2024-08-12.

Conditions:
Renal coloboma syndrome (PAPRS). Also called: OPTIC COLOBOMA, VESICOURETERAL REFLUX, AND RENAL ANOMALIES; OPTIC NERVE COLOBOMA WITH RENAL DISEASE; RENAL-COLOBOMA SYNDROME WITH MACULAR ABNORMALITIES; COLOBOMA OF OPTIC NERVE WITH RENAL DISEASE; PAPILLORENAL SYNDROME WITH MILD OCULAR ABNORMALITIES; CONGENITAL ANOMALIES OF THE KIDNEY AND URINARY TRACT WITH OR WITHOUT OCULAR ABNORMALITIES. Identifiers: Orphanet 1475, MedGen C1852759, MONDO:0007352, OMIM 120330.
Focal segmental glomerulosclerosis 7 (FSGS7). Identifiers: Orphanet 656, MedGen C4014925, MONDO:0014451, OMIM 616002.

gnomAD v4.1: 1 of 1,596,322 alleles (0.000063%); no homozygotes.

Submissions (2):

Blueprint Genetics
Classification: Uncertain significance. Last evaluated: 2024-08-12. Review status: criteria provided, single submitter. Criteria: ACMG Guidelines, 2015. Collection method: clinical testing. Allele origin: germline.

Labcorp Genetics (formerly Invitae), Labcorp
Classification: Uncertain significance for Renal coloboma syndrome; Focal segmental glomerulosclerosis 7. Last evaluated: 2022-08-20. Review status: criteria provided, single submitter. Criteria: Invitae Variant Classification Sherloc (09022015). Collection method: clinical testing. Allele origin: germline.
Comment: This sequence change replaces alanine, which is neutral and non-polar, with valine, which is neutral and non-polar, at codon 154 of the PAX2 protein (p.Ala154Val). In summary, the available evidence is currently insufficient to determine the role of this variant in disease. Therefore, it has been classified as a Variant of Uncertain Significance. Algorithms developed to predict the effect of missense changes on protein structure and function are either unavailable or do not agree on the potential impact of this missense change (SIFT: "Not Available"; PolyPhen-2: "Benign"; Align-GVGD: "Not Available"). This variant has not been reported in the literature in individuals affected with PAX2-related conditions. This variant is not present in population databases (gnomAD no frequency).

NM_000278.5(PAX2):c.461C>T (p.Ala154Val)

Gene: PAX2 (paired box 2; plus strand). Cytogenetic location: 10q24.31.
Variant type: single nucleotide variant.
Coding change: c.461C>T on transcript NM_000278.5 (MANE Select); coding-DNA position 461, C replaced by T.
Protein change: p.Ala154Val; replaces alanine 154 with valine.
Molecular consequence: missense variant.
Genome position (GRCh38, 1-based): chr10:100,779,548, C>T. VCF-style: chr10-100779548-C-T. GRCh37 (hg19) VCF-style: chr10-102539305-C-T.
Other names: c.554C>T, p.Ala185Val (NM_001304569.2); c.461C>T, p.Ala154Val (NM_003987.5, NM_003988.5, NM_003989.5 and 1 more transcripts); short protein forms A154V, A185V.
Identifiers: ClinVar variation 2146198 (VCV002146198.5), dbSNP rs1237426193, ClinGen allele CA378258343.